The following is an entry in ClinVar:

NM_005245.4(FAT1):c.13675G>A (p.Val4559Ile)

Genes: FAT1 (FAT atypical cadherin 1; minus strand), LOC126807253 (BRD4-independent group 4 enhancer GRCh37_chr4:187509297-187510496; plus strand). Cytogenetic location: 4q35.2.
Variant type: single nucleotide variant.
Coding change: c.13675G>A on transcript NM_005245.4 (MANE Select); coding-DNA position 13675, G replaced by A.
Protein change: p.Val4559Ile; replaces valine 4559 with isoleucine.
Molecular consequence: missense variant.
Genome position (GRCh38, 1-based): chr4:186,588,684, C>T on the plus strand (G>A on the coding strand, the complement: FAT1 is on the minus strand). VCF-style: chr4-186588684-C-T. GRCh37 (hg19) VCF-style: chr4-187509838-C-T.
Other names: short protein forms V4559I.
Identifiers: ClinVar variation 2071284 (VCV002071284.6), dbSNP rs146328457, ClinGen allele CA3164472.

ClinVar aggregate classification (germline): Uncertain significance. Review status: criteria provided, multiple submitters, no conflicts (2 of 4 stars). 2 submissions from 2 submitters: Uncertain significance (2). Last evaluated 2025-06-12.

Conditions:
Inborn genetic diseases. Identifiers: MedGen C0950123, MeSH D030342.

Allele frequency attached by ClinVar (database versions not stated): ExAC 0.00005; gnomAD 0.00007; ESP Exome Variant Server 0.00008; 1000 Genomes Project 30x 0.00031; 1000 Genomes Project 0.00040.
gnomAD v4.1: 47 of 1,613,974 alleles (0.0029%); highest among the groups gnomAD compares: Middle Eastern, 0.066%; no homozygotes.

Submissions (2):

Labcorp Genetics (formerly Invitae), Labcorp
Classification: Uncertain significance. Last evaluated: 2025-06-12. Review status: criteria provided, single submitter. Criteria: Invitae Variant Classification Sherloc (09022015). Collection method: clinical testing. Allele origin: germline.
Comment: This sequence change replaces valine, which is neutral and non-polar, with isoleucine, which is neutral and non-polar, at codon 4559 of the FAT1 protein (p.Val4559Ile). This variant is present in population databases (rs146328457, gnomAD 0.009%). This variant has not been reported in the literature in individuals affected with FAT1-related conditions. ClinVar contains an entry for this variant (Variation ID: 2071284). An algorithm developed to predict the effect of missense changes on protein structure and function (PolyPhen-2) suggests that this variant is likely to be tolerated. In summary, the available evidence is currently insufficient to determine the role of this variant in disease. Therefore, it has been classified as a Variant of Uncertain Significance.

Ambry Genetics
Classification: Uncertain significance for Inborn genetic diseases. Last evaluated: 2025-01-09. Review status: criteria provided, single submitter. Criteria: Ambry Variant Classification Scheme 2023. Collection method: clinical testing. Allele origin: germline.